The following is an entry in ClinVar:

ClinVar aggregate classification (germline): Pathogenic. Review status: criteria provided, multiple submitters, no conflicts (2 of 4 stars). 2 submissions from 2 submitters: Pathogenic (2). Last evaluated 2022-04-20.

Conditions:
CFAP410-related disorder. Also called: CFAP410-related condition.

Submissions (2):

Labcorp Genetics (formerly Invitae), Labcorp
Classification: Pathogenic. Last evaluated: 2022-04-20. Review status: criteria provided, single submitter. Criteria: Invitae Variant Classification Sherloc (09022015). Collection method: clinical testing. Allele origin: germline.
Comment: For these reasons, this variant has been classified as Pathogenic. This variant has not been reported in the literature in individuals affected with CFAP410-related conditions. This variant is not present in population databases (gnomAD no frequency). This sequence change creates a premature translational stop signal (p.Glu128Valfs*3) in the CFAP410 gene. It is expected to result in an absent or disrupted protein product. Loss-of-function variants in CFAP410 are known to be pathogenic (PMID: 23105016, 26167768).

Blueprint Genetics
Classification: Pathogenic for CFAP410-related disorders. Last evaluated: 2021-09-20. Review status: criteria provided, single submitter. Criteria: ACMG Guidelines, 2015. Collection method: clinical testing. Allele origin: germline. Affected: yes. Observed: 2 variant alleles.

Literature cited by the submitters: PubMed 23105016 (cited by Labcorp Genetics (formerly Invitae), Labcorp); PubMed 26167768 (cited by Labcorp Genetics (formerly Invitae), Labcorp).

NM_004928.3(CFAP410):c.381_396del (p.Glu128fs)

Gene: CFAP410 (cilia and flagella associated protein 410; minus strand). Cytogenetic location: 21q22.3.
Variant type: Deletion.
Coding change: c.381_396del on transcript NM_004928.3 (MANE Select); coding-DNA positions 381 to 396, 16 bases deleted (GGAGGAGGAGCTGTCC).
Protein change: p.Glu128fs; shifts the reading frame from glutamic acid 128.
Molecular consequence: frameshift variant.
Genome position (GRCh38, 1-based): chr21:44,331,992-44,332,007, GGACAGCTCCTCCTCC deleted on the plus strand (GGAGGAGGAGCTGTCC on the coding strand, the reverse complement: CFAP410 is on the minus strand); deleting any 16 consecutive bases within chr21:44,331,992-44,332,008 gives the same sequence; the c. name uses the placement nearest the transcript's 3' end. VCF-style (leftmost placement, unchanged base first): chr21-44331991-GGGACAGCTCCTCCTCC-G. GRCh37 (hg19) VCF-style: chr21-45751874-GGGACAGCTCCTCCTCC-G.
Other names: c.381_396del, p.Glu128fs (NM_001271440.2, NM_001271441.2); c.258_273del, p.Glu87fs (NM_001271442.1); short protein forms E87fs, E128fs.
Identifiers: ClinVar variation 1388700 (VCV001388700.7), dbSNP rs2047658370, ClinGen allele CA913084312.
Genomic context (GRCh38, chr21:44,331,991, plus strand): 5'-CGTGGCCTGTGCCCTCTCTCTCTGGGGCCGCAGTGATCTCCTCTCCCTCACTCAGTGCAC[GGGACAGCTCCTCCTCC>G]GTCACAGCTTTGGGATGAAAGACAGAAGACAGCATGAGTGGCCTCACCCACGTGCAGGCC-3'